The following is an entry in ClinVar:

ClinVar aggregate classification (germline): Pathogenic (1 of 4 stars; one submission).

Conditions:
Cohen syndrome (COH1). Also called: PEPPER SYNDROME; Cutis verticis gyrata, retinitis pigmentosa, and sensorineural deafness. Identifiers: Orphanet 193, MedGen C0265223, MONDO:0008999, OMIM 216550.

Submission:

Labcorp Genetics (formerly Invitae), Labcorp
Classification: Pathogenic for Cohen syndrome. Last evaluated: 2022-02-08. Review status: criteria provided, single submitter. Criteria: Invitae Variant Classification Sherloc (09022015). Collection method: clinical testing. Allele origin: germline.
Comment: For these reasons, this variant has been classified as Pathogenic. Algorithms developed to predict the effect of sequence changes on RNA splicing suggest that this variant may create or strengthen a splice site. This variant has not been reported in the literature in individuals affected with VPS13B-related conditions. This variant is not present in population databases (gnomAD no frequency). This sequence change creates a premature translational stop signal (p.Ser2152Argfs*6) in the VPS13B gene. It is expected to result in an absent or disrupted protein product. Loss-of-function variants in VPS13B are known to be pathogenic (PMID: 15141358, 16648375, 20461111).

Literature cited by the submitters: PubMed 15141358; PubMed 16648375; PubMed 20461111.

NM_152564.5(VPS13B):c.6381del (p.Ser2127fs)

Gene: VPS13B (vacuolar protein sorting 13 homolog B; plus strand). Cytogenetic location: 8q22.2.
Variant type: Deletion.
Coding change: c.6381del on transcript NM_152564.5 (MANE Select); coding-DNA position 6381, one base deleted (C; older notation c.6381delC).
Protein change: p.Ser2127fs; shifts the reading frame from serine 2127.
Molecular consequence: frameshift variant.
Genome position (GRCh38, 1-based): chr8:99,699,859, C deleted. VCF-style (leftmost placement, unchanged base first): chr8-99699858-GC-G. GRCh37 (hg19) VCF-style: chr8-100712086-GC-G.
Other names: c.6456del, p.Ser2152fs (NM_017890.5); short protein forms S2127fs, S2152fs.
Identifiers: ClinVar variation 2083307 (VCV002083307.4), dbSNP rs2491484828, ClinGen allele CA2580079170.